The following is an entry in ClinVar:

NM_001557.4(CXCR2):c.1057T>C (p.Ser353Pro)

Gene: CXCR2 (C-X-C motif chemokine receptor 2; plus strand). Cytogenetic location: 2q35.
Variant type: single nucleotide variant.
Coding change: c.1057T>C on transcript NM_001557.4 (MANE Select); coding-DNA position 1057, T replaced by C.
Protein change: p.Ser353Pro; replaces serine 353 with proline.
Molecular consequence: missense variant.
Genome position (GRCh38, 1-based): chr2:218,135,858, T>C. VCF-style: chr2-218135858-T-C. GRCh37 (hg19) VCF-style: chr2-219000581-T-C.
Other names: c.1057T>C, p.Ser353Pro (NM_001168298.2); short protein forms S353P.
Identifiers: ClinVar variation 2835873 (VCV002835873.3), dbSNP rs2469116836, ClinGen allele CA350532781.

ClinVar aggregate classification (germline): Uncertain significance (1 of 4 stars; one submission).

Submission:

Labcorp Genetics (formerly Invitae), Labcorp
Classification: Uncertain significance. Last evaluated: 2023-02-09. Review status: criteria provided, single submitter. Criteria: Invitae Variant Classification Sherloc (09022015). Collection method: clinical testing. Allele origin: germline.
Comment: This variant is not present in population databases (gnomAD no frequency). This sequence change replaces serine, which is neutral and polar, with proline, which is neutral and non-polar, at codon 353 of the CXCR2 protein (p.Ser353Pro). This variant has not been reported in the literature in individuals affected with CXCR2-related conditions. Algorithms developed to predict the effect of missense changes on protein structure and function are either unavailable or do not agree on the potential impact of this missense change (SIFT: "Tolerated"; PolyPhen-2: "Probably Damaging"; Align-GVGD: "Class C0"). In summary, the available evidence is currently insufficient to determine the role of this variant in disease. Therefore, it has been classified as a Variant of Uncertain Significance.